The following is an entry in ClinVar:

NM_017950.4(CCDC40):c.1441-10T>C

Gene: CCDC40 (coiled-coil domain 40 molecular ruler complex subunit; plus strand). Cytogenetic location: 17q25.3.
Variant type: single nucleotide variant.
Coding change: c.1441-10T>C on transcript NM_017950.4 (MANE Select); 10 bases into the intron before coding-DNA position 1441, T replaced by C.
Molecular consequence: intron variant.
Genome position (GRCh38, 1-based): chr17:80,065,475, T>C. VCF-style: chr17-80065475-T-C. GRCh37 (hg19) VCF-style: chr17-78039274-T-C.
Other names: c.1441-10T>C (NM_001243342.2, NM_001330508.2).
Identifiers: ClinVar variation 2726755 (VCV002726755.3), dbSNP rs1449128549, ClinGen allele CA775505158.

ClinVar aggregate classification (germline): Uncertain significance (1 of 4 stars; one submission).

Conditions:
Primary ciliary dyskinesia. Also called: Ciliary dyskinesia. Identifiers: Orphanet 244, MedGen C0008780, MONDO:0016575, HP:0012265.

Allele frequency attached by ClinVar (database versions not stated): gnomAD exomes below 0.00001; gnomAD 0.00001.
gnomAD v4.1: 2 of 1,612,896 alleles (0.00012%); highest among the groups gnomAD compares: Admixed American, 0.0017%; no homozygotes.

Submission:

Labcorp Genetics (formerly Invitae), Labcorp
Classification: Uncertain significance for Primary ciliary dyskinesia. Last evaluated: 2024-05-06. Review status: criteria provided, single submitter. Criteria: Invitae Variant Classification Sherloc (09022015). Collection method: clinical testing. Allele origin: germline.
Comment: This sequence change falls in intron 9 of the CCDC40 gene. It does not directly change the encoded amino acid sequence of the CCDC40 protein. This variant is not present in population databases (gnomAD no frequency). This variant has not been reported in the literature in individuals affected with CCDC40-related conditions. Algorithms developed to predict the effect of sequence changes on RNA splicing suggest that this variant may create or strengthen a splice site. In summary, the available evidence is currently insufficient to determine the role of this variant in disease. Therefore, it has been classified as a Variant of Uncertain Significance.